The following is an entry in ClinVar:

ClinVar aggregate classification (germline): Pathogenic. Review status: criteria provided, multiple submitters, no conflicts (2 of 4 stars). 3 submissions from 3 submitters: Pathogenic (3). Last evaluated 2026-06-24.

Conditions:
Neurofibromatosis, type 1 (NF1). Also called: VON RECKLINGHAUSEN DISEASE; Neurofibromatosis, type I; NEUROFIBROMATOSIS, TYPE I, SOMATIC; Peripheral type neurofibromatosis. Identifiers: Orphanet 636, MedGen C0027831, MONDO:0018975, OMIM 162200. Disease mechanism: loss of function.

Submissions (3):

Myriad Genetics, Inc.
Classification: Pathogenic for Neurofibromatosis, type 1. Last evaluated: 2026-06-24. Review status: criteria provided, single submitter. Criteria: Myriad Autosomal Dominant, Autosomal Recessive and X-Linked Classification Criteria (2023). Collection method: clinical testing. Allele origin: unknown.
Comment: This variant is considered pathogenic. This variant occurs within a consensus splice junction and is predicted to result in abnormal mRNA splicing of either an out-of-frame exon or an in-frame exon necessary for protein stability and/or normal function. This variant has been reported in multiple individuals with clinical features of gene-specific disease [PMID: 31201679, 26740943, 18546366, 35885913, 31766501, 26969325, 30014477, 31347283, 16479075].

Labcorp Genetics (formerly Invitae), Labcorp
Classification: Pathogenic for Neurofibromatosis, type 1. Last evaluated: 2025-11-24. Review status: criteria provided, single submitter. Criteria: Invitae Variant Classification Sherloc (09022015). Collection method: clinical testing. Allele origin: germline.
Comment: This sequence change affects a donor splice site in intron 31 of the NF1 gene. It is expected to disrupt RNA splicing. Variants that disrupt the donor or acceptor splice site typically lead to a loss of protein function (PMID: 16199547), and loss-of-function variants in NF1 are known to be pathogenic (PMID: 10712197, 23913538). This variant is not present in population databases (gnomAD no frequency). Disruption of this splice site has been observed in individual(s) with Neurofibromatosis type 1 (PMID: 28961165). ClinVar contains an entry for this variant (Variation ID: 2575808). Algorithms developed to predict the effect of sequence changes on RNA splicing suggest that this variant may disrupt the consensus splice site. For these reasons, this variant has been classified as Pathogenic.

GeneDx
Classification: Pathogenic. Last evaluated: 2025-10-24. Review status: criteria provided, single submitter. Criteria: GeneDx Variant Classification Process June 2021. Collection method: clinical testing. Allele origin: germline. Affected: yes.
Comment: Canonical splice site variant predicted to result in an in-frame loss of the adjacent exon in a gene for which loss of function is a known mechanism of disease; Deletions involving coding exons of this gene are a known mechanism of disease (HGMD); Not observed at significant frequency in large population cohorts (gnomAD); This variant is associated with the following publications: (PMID: 25486365, 22807134, 26740943, 36273432, 28961165)

Literature cited by the submitters: PubMed 31201679 (cited by Myriad Genetics, Inc.); PubMed 26740943 (cited by Myriad Genetics, Inc.); PubMed 18546366 (cited by Myriad Genetics, Inc.); PubMed 35885913 (cited by Myriad Genetics, Inc.); PubMed 31766501 (cited by Myriad Genetics, Inc.); PubMed 26969325 (cited by Myriad Genetics, Inc.); PubMed 30014477 (cited by Myriad Genetics, Inc.); PubMed 31347283 (cited by Myriad Genetics, Inc.); PubMed 16479075 (cited by Myriad Genetics, Inc.); PubMed 16199547 (cited by Labcorp Genetics (formerly Invitae), Labcorp); PubMed 10712197 (cited by Labcorp Genetics (formerly Invitae), Labcorp); PubMed 23913538 (cited by Labcorp Genetics (formerly Invitae), Labcorp); PubMed 28961165 (cited by Labcorp Genetics (formerly Invitae), Labcorp).

NM_001042492.3(NF1):c.4332+2T>G

Gene: NF1 (neurofibromin 1; plus strand). Cytogenetic location: 17q11.2.
Variant type: single nucleotide variant.
Coding change: c.4332+2T>G on transcript NM_001042492.3 (MANE Select); the canonical splice donor site of the intron after coding-DNA position 4332, T replaced by G.
Molecular consequence: splice donor variant.
Genome position (GRCh38, 1-based): chr17:31,258,504, T>G. VCF-style: chr17-31258504-T-G. GRCh37 (hg19) VCF-style: chr17-29585522-T-G.
Other names: c.4269+2T>G (NM_000267.4).
Identifiers: ClinVar variation 2575808 (VCV002575808.5), dbSNP rs786204207, ClinGen allele CA398998189.
Genomic context (GRCh38, chr17:31,258,504, plus strand): 5'-GGATTTTAGATAAAAAGCCACCACCTAGAATCGAAAGGGGCTTGAAGTTAATGTCAAAGG[T>G]GAATTATTTTGATAATCTAGCTATCTTAAATTCCCCTTCCAACTAAATTTTCAGCTTTTC-3'